The following is an entry in ClinVar:

NM_000038.6(APC):c.6524C>T (p.Thr2175Ile)

Gene: APC (APC regulator of Wnt signaling pathway; plus strand). Cytogenetic location: 5q22.2.
Variant type: single nucleotide variant.
Coding change: c.6524C>T on transcript NM_000038.6 (MANE Select); coding-DNA position 6524, C replaced by T.
Protein change: p.Thr2175Ile; replaces threonine 2175 with isoleucine.
Molecular consequence: missense variant.
Genome position (GRCh38, 1-based): chr5:112,842,118, C>T. VCF-style: chr5-112842118-C-T. GRCh37 (hg19) VCF-style: chr5-112177815-C-T.
Other names: c.6524C>T, p.Thr2175Ile (NM_001127510.3, NM_001354895.2); c.6470C>T, p.Thr2157Ile (NM_001127511.3); c.6578C>T, p.Thr2193Ile (NM_001354896.2); c.6554C>T, p.Thr2185Ile (NM_001354897.2); c.6449C>T, p.Thr2150Ile (NM_001354898.2); c.6440C>T, p.Thr2147Ile (NM_001354899.2); c.6401C>T, p.Thr2134Ile (NM_001354900.2); c.6347C>T, p.Thr2116Ile (NM_001354901.2); and 5 more; short protein forms T2175I, T2157I, T2134I, T2147I, T2015I, T2049I, T2074I, T2150I.
Identifiers: ClinVar variation 629018 (VCV000629018.16), dbSNP rs1561607962, ClinGen allele CA16035605.
Genomic context (GRCh38, chr5:112,842,118, plus strand): 5'-AAGAAAAACCCTTTACAAGTAATAAAGGCCCACGAATTCTAAAACCAGGGGAGAAAAGTA[C>T]ATTGGAAACTAAAAAGATAGAATCTGAAAGTAAAGGAATCAAAGGAGGAAAAAAAGTTTA-3'
Protein context (NP_000029.2, residues 2165-2185): PRILKPGEKS[Thr2175Ile]LETKKIESES

ClinVar aggregate classification (germline): Uncertain significance. Review status: criteria provided, multiple submitters, no conflicts (2 of 4 stars). 4 submissions from 4 submitters: Uncertain significance (4). Last evaluated 2025-08-13.

Conditions:
Hereditary cancer-predisposing syndrome. Also called: Neoplastic Syndromes, Hereditary; Tumor predisposition; Hereditary neoplastic syndrome; Hereditary Cancer Syndrome. Identifiers: Orphanet 140162, MedGen C0027672, MeSH D009386, MONDO:0015356.
Familial adenomatous polyposis 1 (FAP1). Also called: POLYPOSIS, ADENOMATOUS INTESTINAL; FAMILIAL ADENOMATOUS POLYPOSIS 1, ATTENUATED. Identifiers: MedGen C2713442, MONDO:0021056, OMIM 175100. Disease mechanism: loss of function.

Submissions (4):

Labcorp Genetics (formerly Invitae), Labcorp
Classification: Uncertain significance for Familial adenomatous polyposis 1. Last evaluated: 2025-08-13. Review status: criteria provided, single submitter. Criteria: Invitae Variant Classification Sherloc (09022015). Collection method: clinical testing. Allele origin: germline.
Comment: This sequence change replaces threonine, which is neutral and polar, with isoleucine, which is neutral and non-polar, at codon 2175 of the APC protein (p.Thr2175Ile). This variant is not present in population databases (gnomAD no frequency). This variant has not been reported in the literature in individuals affected with APC-related conditions. ClinVar contains an entry for this variant (Variation ID: 629018). Invitae Evidence Modeling of protein sequence and biophysical properties (such as structural, functional, and spatial information, amino acid conservation, physicochemical variation, residue mobility, and thermodynamic stability) indicates that this missense variant is not expected to disrupt APC protein function with a negative predictive value of 95%. In summary, the available evidence is currently insufficient to determine the role of this variant in disease. Therefore, it has been classified as a Variant of Uncertain Significance.

Ambry Genetics
Classification: Uncertain significance for Hereditary cancer-predisposing syndrome. Last evaluated: 2025-05-21. Review status: criteria provided, single submitter. Criteria: Ambry Variant Classification Scheme 2023. Collection method: clinical testing. Allele origin: germline.
Comment: The p.T2175I variant (also known as c.6524C>T), located in coding exon 15 of the APC gene, results from a C to T substitution at nucleotide position 6524. The threonine at codon 2175 is replaced by isoleucine, an amino acid with similar properties. This amino acid position is conserved. In addition, in silico predictors for this gene do not accurately predict pathogenicity. Based on the available evidence, the clinical significance of this variant remains unclear.

Color Diagnostics, LLC DBA Color Health
Classification: Uncertain significance for Hereditary cancer-predisposing syndrome. Last evaluated: 2023-12-04. Review status: criteria provided, single submitter. Criteria: ACMG Guidelines, 2015. Collection method: clinical testing. Allele origin: germline.
Comment: This missense variant replaces threonine with isoleucine at codon 2175 of the APC protein. Computational prediction suggests that this variant may not impact protein structure and function (internally defined REVEL score threshold <= 0.5, PMID: 27666373). To our knowledge, functional studies have not been reported for this variant. This variant has not been reported in individuals affected with APC-related disorders in the literature. This variant has not been identified in the general population by the Genome Aggregation Database (gnomAD). The available evidence is insufficient to determine the role of this variant in disease conclusively. Therefore, this variant is classified as a Variant of Uncertain Significance.

Baylor Genetics
Classification: Uncertain significance for Familial adenomatous polyposis 1. Last evaluated: 2023-09-18. Review status: criteria provided, single submitter. Criteria: ACMG Guidelines, 2015. Collection method: clinical testing. Allele origin: unknown.